The following is an entry in ClinVar:

NM_015702.3(MMADHC):c.696+3_696+6del

Gene: MMADHC (metabolism of cobalamin associated D; minus strand). Cytogenetic location: 2q23.2.
Variant type: Deletion.
Coding change: c.696+3_696+6del on transcript NM_015702.3 (MANE Select); bases 3 to 6 of the intron after coding-DNA position 696, 4 bases deleted (GAGT; older notation c.696+3_696+6delGAGT).
Molecular consequence: splice donor variant.
Genome position (GRCh38, 1-based): chr2:149,571,079-149,571,082, ACTC deleted on the plus strand (GAGT on the coding strand, the reverse complement: MMADHC is on the minus strand); deleting any 4 consecutive bases within chr2:149,571,079-149,571,085 gives the same sequence; the c. name uses the placement nearest the transcript's 3' end. VCF-style (leftmost placement, unchanged base first): chr2-149571078-TACTC-T. GRCh37 (hg19) VCF-style: chr2-150427592-TACTC-T.
Other names: c.696+3_696+6del (NM_015702.2).
Identifiers: ClinVar variation 769 (VCV000000769.3), dbSNP rs397509364, ClinGen allele CA251602.

ClinVar aggregate classification (germline): Likely pathogenic. Review status: criteria provided, single submitter (1 of 4 stars). 2 submissions from 2 submitters: Likely pathogenic (1). 1 of the submissions does not count toward it. Last evaluated 2025-10-30.

Conditions:
Methylmalonic aciduria and homocystinuria type cblD (MAHCD). Also called: Methylmalonic aciduria with homocystinuria cblD type; METHYLMALONIC ACIDEMIA, cblH TYPE. Identifiers: Orphanet 622, Orphanet 79283, MedGen C1848552, MONDO:0010185, OMIM 277410.

Submissions (2):

Natera, Inc.
Classification: Likely pathogenic for Methylmalonic aciduria with homocystinuria cblD type. Last evaluated: 2025-10-30. Review status: criteria provided, single submitter. Criteria: Natera Variant Classification Schema (03/2026). Collection method: clinical testing. Allele origin: germline.
Comment: The c.696+3_696+6del variant in MMADHC is a frameshift variant predicted to shift the reading frame and introduce a stop codon. This variant may result in a truncated or dysfunctional protein product. This variant is rare in the general population with a frequency below the threshold expected for the associated phenotype(s). This variant has been observed in one or more individuals affected with the associated recessive disease, as either homozygous or compound heterozygous with a second variant (PMID: 18385497). Functional studies show that this variant may disrupt protein function (PMID: 18385497). Given the available evidence, this variant is classified as Likely Pathogenic.

OMIM
Classification: Pathogenic for METHYLMALONIC ACIDURIA AND HOMOCYSTINURIA, cblD TYPE. Last evaluated: 2008-04-03. Review status: no assertion criteria provided. Collection method: literature only. Allele origin: germline. Not counted in ClinVar's aggregate classification.

Literature cited by the submitters: PubMed 18385497 (cited by Natera, Inc. and OMIM).